The following is an entry in ClinVar:

NM_000821.7(GGCX):c.2268dup (p.Glu757fs)

Gene: GGCX (gamma-glutamyl carboxylase; minus strand). Cytogenetic location: 2p11.2.
Variant type: Duplication.
Coding change: c.2268dup on transcript NM_000821.7 (MANE Select); coding-DNA position 2268, one base duplicated (A; older notation c.2268dupA).
Protein change: p.Glu757fs; shifts the reading frame from glutamic acid 757.
Molecular consequence: frameshift variant.
Genome position (GRCh38, 1-based): chr2:85,549,943, T duplicated on the plus strand (A on the coding strand, the reverse complement: GGCX is on the minus strand). VCF-style (leftmost placement, unchanged base first): chr2-85549942-C-CT. GRCh37 (hg19) VCF-style: chr2-85777065-C-CT.
Other names: c.2097dup, p.Glu700fs (NM_001142269.4); short protein forms E757fs, E700fs.
Identifiers: ClinVar variation 2174164 (VCV002174164.2), dbSNP rs761521339, ClinGen allele CA1741593.
Genomic context (GRCh38, chr2:85,549,942, plus strand): 5'-AATGGGTCTGTGACTGGCTGCTTCTACATCTGCACCCAACATCTGGCCCCCTTCAGAACT[C>CT]TGAGTGGACAGGATCAGGATTTGACTCAGGAGGATTAGAATGTGAAGAATCCGTGTTTGA-3'

ClinVar aggregate classification (germline): Uncertain significance (1 of 4 stars; one submission).

Allele frequency attached by ClinVar (database versions not stated): ExAC 0.00002; gnomAD 0.00004; gnomAD exomes 0.00004; TOPMed 0.00004; ESP Exome Variant Server 0.00008.

Submission:

Labcorp Genetics (formerly Invitae), Labcorp
Classification: Uncertain significance. Last evaluated: 2022-01-17. Review status: criteria provided, single submitter. Criteria: Invitae Variant Classification Sherloc (09022015). Collection method: clinical testing. Allele origin: germline.
Comment: In summary, the available evidence is currently insufficient to determine the role of this variant in disease. Therefore, it has been classified as a Variant of Uncertain Significance. This variant has not been reported in the literature in individuals affected with GGCX-related conditions. This variant is present in population databases (rs761521339, gnomAD 0.004%). This sequence change results in a frameshift in the GGCX gene (p.Glu757Argfs*13). While this is not anticipated to result in nonsense mediated decay, it is expected to disrupt the last 2 amino acid(s) of the GGCX protein and extend the protein by 10 additional amino acid residues.